The following is an entry in ClinVar:

ClinVar aggregate classification (germline): Uncertain significance (1 of 4 stars; one submission).

Submission:

Labcorp Genetics (formerly Invitae), Labcorp
Classification: Uncertain significance. Last evaluated: 2023-07-20. Review status: criteria provided, single submitter. Criteria: Invitae Variant Classification Sherloc (09022015). Collection method: clinical testing. Allele origin: germline.
Comment: In summary, the available evidence is currently insufficient to determine the role of this variant in disease. Therefore, it has been classified as a Variant of Uncertain Significance. An algorithm developed to predict the effect of missense changes on protein structure and function (PolyPhen-2) suggests that this variant¬†is likely to be tolerated. ClinVar contains an entry for this variant (Variation ID: 1985863). This variant has not been reported in the literature in individuals affected with COQ2-related conditions. This variant is present in population databases (no rsID available, gnomAD 0.01%). This sequence change replaces methionine, which is neutral and non-polar, with isoleucine, which is neutral and non-polar, at codon 9 of the COQ2 protein (p.Met9Ile).

NC_000004.12:g.83284888C>T

Genes: COQ2 (coenzyme Q2, polyprenyltransferase; minus strand), LOC112997540 (Sharpr-MPRA regulatory region 13773; plus strand). Cytogenetic location: 4q21.23.
Variant type: single nucleotide variant.
Molecular consequence: missense variant (on NM_015697.9).
Genome position: GRCh38 VCF-style: chr4-83284888-C-T. GRCh37 (hg19) VCF-style: chr4-84206041-C-T.
Other names: c.27G>A, p.Met9Ile (NM_015697.9); short protein forms M9I.
Identifiers: ClinVar variation 1985863 (VCV001985863.2), dbSNP rs929218586, ClinGen allele CA100656796.